The following is an entry in ClinVar:

ClinVar aggregate classification (germline): Uncertain significance. Review status: criteria provided, multiple submitters, no conflicts (2 of 4 stars). 2 submissions from 2 submitters: Uncertain significance (2). Last evaluated 2025-06-23.

Allele frequency attached by ClinVar (database versions not stated): gnomAD 0.00001.
gnomAD v4.1: 30 of 1,600,308 alleles (0.0019%); highest among the groups gnomAD compares: African/African-American, 0.0027%; no homozygotes.

Submissions (2):

Ambry Genetics
Classification: Uncertain significance. Last evaluated: 2025-06-23. Review status: criteria provided, single submitter. Criteria: Ambry Variant Classification Scheme 2023. Collection method: clinical testing. Allele origin: germline.

Labcorp Genetics (formerly Invitae), Labcorp
Classification: Uncertain significance. Last evaluated: 2022-07-12. Review status: criteria provided, single submitter. Criteria: Invitae Variant Classification Sherloc (09022015). Collection method: clinical testing. Allele origin: germline.
Comment: In summary, the available evidence is currently insufficient to determine the role of this variant in disease. Therefore, it has been classified as a Variant of Uncertain Significance. Algorithms developed to predict the effect of missense changes on protein structure and function (SIFT, PolyPhen-2, Align-GVGD) all suggest that this variant is likely to be tolerated. ClinVar contains an entry for this variant (Variation ID: 1504721). This variant has not been reported in the literature in individuals affected with CLUAP1-related conditions. This variant is present in population databases (rs780924173, gnomAD 0.0009%). This sequence change replaces isoleucine, which is neutral and non-polar, with valine, which is neutral and non-polar, at codon 79 of the CLUAP1 protein (p.Ile79Val).

NM_015041.3(CLUAP1):c.235A>G (p.Ile79Val)

Gene: CLUAP1 (clusterin associated protein 1; plus strand). Cytogenetic location: 16p13.3.
Variant type: single nucleotide variant.
Coding change: c.235A>G on transcript NM_015041.3 (MANE Select); coding-DNA position 235, A replaced by G.
Protein change: p.Ile79Val; replaces isoleucine 79 with valine.
Molecular consequence: missense variant.
Genome position (GRCh38, 1-based): chr16:3,508,304, A>G. VCF-style: chr16-3508304-A-G. GRCh37 (hg19) VCF-style: chr16-3558304-A-G.
Other names: c.235A>G (NM_015041.1); c.235A>G, p.Ile79Val (NM_001330454.2); short protein forms I79V.
Identifiers: ClinVar variation 1504721 (VCV001504721.9), dbSNP rs780924173, ClinGen allele CA7863659.